The following is an entry in ClinVar:

ClinVar aggregate classification (germline): Likely benign (0 of 4 stars; one submission).

Conditions:
HHAT-related disorder. Also called: HHAT-related condition.

Allele frequency attached by ClinVar (database versions not stated): TOPMed below 0.00001.
gnomAD v4.1: 21 of 1,408,952 alleles (0.0015%); highest among the groups gnomAD compares: Middle Eastern, 0.073%; no homozygotes.

Submission:

PreventionGenetics, part of Exact Sciences
Classification: Likely benign for HHAT-related condition. Last evaluated: 2019-06-27. Review status: no assertion criteria provided. Collection method: clinical testing. Allele origin: germline.
Comment: This variant is classified as likely benign based on ACMG/AMP sequence variant interpretation guidelines (Richards et al. 2015 PMID: 25741868, with internal and published modifications).

NM_018194.6(HHAT):c.-57G>C

Gene: HHAT (hedgehog acyltransferase; plus strand). Cytogenetic location: 1q32.2.
Variant type: single nucleotide variant.
Coding change: c.-57G>C on transcript NM_018194.6 (MANE Select); 57 bases upstream of the start codon, G replaced by C.
Molecular consequence: 5 prime UTR variant. On other transcripts: synonymous variant (1), intron variant (2).
Genome position (GRCh38, 1-based): chr1:210,329,091, G>C. VCF-style: chr1-210329091-G-C. GRCh37 (hg19) VCF-style: chr1-210502435-G-C.
Other names: c.81G>C, p.Pro27= (NM_001170587.3); c.-57G>C (NM_001170588.3); c.-44+707G>C (NM_001122834.4, NM_001170564.3).
Identifiers: ClinVar variation 3042732 (VCV003042732.2), dbSNP rs1202874500, ClinGen allele CA423100907.
Genomic context (GRCh38, chr1:210,329,091, plus strand): 5'-TGCCGAAAGAGGGGTGTTGGGAACTCGCGGCGCGCGTGAACGTTGCCGTCGCCGCCGCCC[G>C]GGACAGCCCGGAGGTTGGTAACTGGTGACCATAGGGGGTCCTGGGGAGGTTAGATGCTGA-3'